The following is an entry in ClinVar:

ClinVar aggregate classification (germline): Uncertain significance (1 of 4 stars; one submission).

Conditions:
Myoclonic dystonia 11 (DYT11). Also called: DYT-SGCE; Myoclonic dystonia; Dystonia 11; Dystonia, alcohol responsive; Hereditary essential myoclonus; SGCE Myoclonus-Dystonia. Identifiers: Orphanet 36899, MedGen C1834570, MONDO:0008044, OMIM 159900.

Allele frequency attached by ClinVar (database versions not stated): gnomAD exomes below 0.00001 and 0.00001; ExAC 0.00001.
gnomAD v4.1: 3 of 1,612,524 alleles (0.00019%); highest among the groups gnomAD compares: South Asian, 0.0033%; no homozygotes.

Submission:

Labcorp Genetics (formerly Invitae), Labcorp
Classification: Uncertain significance for Myoclonic dystonia 11. Last evaluated: 2019-10-30. Review status: criteria provided, single submitter. Criteria: Invitae Variant Classification Sherloc (09022015). Collection method: clinical testing. Allele origin: germline.
Comment: In summary, this variant has uncertain impact on SGCE function. The available evidence is currently insufficient to determine its role in disease. Therefore, it has been classified as a Variant of Uncertain Significance. Algorithms developed to predict the effect of missense changes on protein structure and function (SIFT, PolyPhen-2, Align-GVGD) all suggest that this variant is likely to be tolerated, but these predictions have not been confirmed by published functional studies and their clinical significance is uncertain. This variant has not been reported in the literature in individuals with a SGCE-related disease. This variant is present in population databases (rs773531358, ExAC 0.006%). This sequence change replaces serine with asparagine at codon 26 of the SGCE protein (p.Ser26Asn). The serine residue is weakly conserved and there is a small physicochemical difference between serine and asparagine.

NM_003919.3(SGCE):c.77G>A (p.Ser26Asn)

Gene: SGCE (sarcoglycan epsilon; minus strand). Cytogenetic location: 7q21.3.
Variant type: single nucleotide variant.
Coding change: c.77G>A on transcript NM_003919.3 (MANE Select); coding-DNA position 77, G replaced by A.
Protein change: p.Ser26Asn; replaces serine 26 with asparagine.
Molecular consequence: missense variant. On other transcripts: 5 prime UTR variant (4).
Genome position (GRCh38, 1-based): chr7:94,656,022, C>T on the plus strand (G>A on the coding strand, the complement: SGCE is on the minus strand). VCF-style: chr7-94656022-C-T. GRCh37 (hg19) VCF-style: chr7-94285334-C-T.
Other names: c.77G>A, p.Ser26Asn (NM_001099400.2, NM_001099401.2, NM_001301139.2 and 4 more transcripts); c.-181G>A (NM_001346719.2); c.-259G>A (NM_001346720.2, NM_001362808.2); c.-187G>A (NM_001362807.2); short protein forms S26N.
Identifiers: ClinVar variation 464160 (VCV000464160.10), dbSNP rs773531358, ClinGen allele CA4348920.